The following is an entry in ClinVar:

ClinVar aggregate classification (germline): Likely pathogenic (1 of 4 stars; one submission).

Conditions:
Xeroderma pigmentosum, group E (XPE). Also called: Xeroderma pigmentosum, complementation group E, DDB-negative form; Xeroderma pigmentosum, complementation group E; Xeroderma pigmentosum, group E, DDB-negative subtype; XERODERMA PIGMENTOSUM V; XP, GROUP E; DDB2-Related Xeroderma Pigmentosum. Identifiers: Orphanet 910, MedGen C1848411, MONDO:0010213, OMIM 278740.

Submission:

Juno Genomics, Hangzhou Juno Genomics, Inc
Classification: Likely pathogenic for Xeroderma pigmentosum, group E. Review status: criteria provided, single submitter. Criteria: ACMG Guidelines, 2015. Collection method: clinical testing. Allele origin: germline.
Comment: Null variant in a gene where loss of function (LOF) is a known mechanism of disease.;Absent from controls (or at extremely low frequency if recessive) in Genome Aggregation Database.

NM_000107.3(DDB2):c.128-2A>G

Gene: DDB2 (damage specific DNA binding protein 2; plus strand). Cytogenetic location: 11p11.2.
Variant type: single nucleotide variant.
Coding change: c.128-2A>G on transcript NM_000107.3 (MANE Select); the canonical splice acceptor site of the intron before coding-DNA position 128, A replaced by G.
Molecular consequence: splice acceptor variant. On other transcripts: non-coding transcript variant (1).
Genome position (GRCh38, 1-based): chr11:47,216,334, A>G. VCF-style: chr11-47216334-A-G. GRCh37 (hg19) VCF-style: chr11-47237885-A-G.
Other names: c.128-2A>G (NM_001399874.1, NM_001399876.1, NM_001399875.1 and 2 more transcripts).
Identifiers: ClinVar variation 5007872 (VCV005007872.2).